The following is an entry in ClinVar:

NM_020937.4(FANCM):c.527C>T (p.Thr176Ile)

Gene: FANCM (FA complementation group M; plus strand). Cytogenetic location: 14q21.2.
Variant type: single nucleotide variant.
Coding change: c.527C>T on transcript NM_020937.4 (MANE Select); coding-DNA position 527, C replaced by T.
Protein change: p.Thr176Ile; replaces threonine 176 with isoleucine.
Molecular consequence: missense variant.
Genome position (GRCh38, 1-based): chr14:45,137,087, C>T. VCF-style: chr14-45137087-C-T. GRCh37 (hg19) VCF-style: chr14-45606290-C-T.
Other names: c.527C>T, p.Thr176Ile (NM_001308133.2, NM_001308134.2); short protein forms T176I.
Identifiers: ClinVar variation 313193 (VCV000313193.51), dbSNP rs77374493, ClinGen allele CA7168797.

ClinVar aggregate classification (germline): Conflicting classifications of pathogenicity. Review status: criteria provided, conflicting classifications (1 of 4 stars). 8 submissions from 8 submitters: Uncertain significance (1); Benign (3); Likely benign (3). 1 of the submissions does not count toward it. Last evaluated 2026-09-01.

Conditions:
Fanconi anemia (FA). Also called: Fanconi's anemia. Identifiers: Orphanet 84, MedGen C0015625, MeSH D005199, MONDO:0019391.
Spermatogenic failure 28. Identifiers: MedGen C4748117, MONDO:0054732, OMIM 618086.
FANCM-related disorder. Also called: FANCM-related condition.

Allele frequency attached by ClinVar (database versions not stated): 1000 Genomes Project 0.00140; 1000 Genomes Project 30x 0.00172; TOPMed 0.00296; ESP Exome Variant Server 0.00354; gnomAD 0.00366 and 0.00371; gnomAD exomes 0.00419 and 0.00446; ExAC 0.00438.
gnomAD v4.1: 7,062 of 1,612,766 alleles (0.44%); highest among the groups gnomAD compares: Middle Eastern, 0.55%; 31 homozygotes.

Submissions (8):

CeGaT Center for Human Genetics Tuebingen
Classification: Likely benign. Last evaluated: 2026-09-01. Review status: criteria provided, single submitter. Criteria: CeGaT Center For Human Genetics Tuebingen Variant Classification Criteria Version 2. Collection method: clinical testing. Allele origin: germline. Affected: yes. Observed: 57 variant alleles.
Comment: FANCM: BP4, BS2

Labcorp Genetics (formerly Invitae), Labcorp
Classification: Benign for Fanconi anemia. Last evaluated: 2026-02-04. Review status: criteria provided, single submitter. Criteria: Invitae Variant Classification Sherloc (09022015). Collection method: clinical testing. Allele origin: germline.

Quest Diagnostics Nichols Institute San Juan Capistrano
Classification: Benign. Last evaluated: 2025-06-23. Review status: criteria provided, single submitter. Criteria: Quest Diagnostics criteria. Collection method: clinical testing. Allele origin: unknown.

Blueprint Genetics
Classification: Likely benign. Last evaluated: 2024-11-26. Review status: criteria provided, single submitter. Criteria: ACMG Guidelines, 2015. Collection method: clinical testing. Allele origin: germline.

GeneDx
Classification: Likely benign. Last evaluated: 2021-06-14. Review status: criteria provided, single submitter. Criteria: GeneDx Variant Classification Process June 2021. Collection method: clinical testing. Allele origin: germline. Affected: yes.

Baylor Genetics
Classification: Uncertain significance for Spermatogenic failure 28. Last evaluated: 2020-12-01. Review status: criteria provided, single submitter. Criteria: ACMG Guidelines, 2015. Collection method: clinical testing. Allele origin: unknown. Affected: yes. Study: CSER-TexasKidsCanSeq.
Comment: This variant was determined to be of uncertain significance according to ACMG Guidelines, 2015 [PMID:25741868].

Genetic Services Laboratory, University of Chicago
Classification: Benign. Last evaluated: 2019-08-30. Review status: criteria provided, single submitter. Criteria: ACMG Guidelines, 2015. Collection method: clinical testing. Allele origin: germline. Affected: no.

PreventionGenetics, part of Exact Sciences
Classification: Benign for FANCM-related condition. Last evaluated: 2019-05-08. Review status: no assertion criteria provided. Collection method: clinical testing. Allele origin: germline. Not counted in ClinVar's aggregate classification.
Comment: This variant is classified as benign based on ACMG/AMP sequence variant interpretation guidelines (Richards et al. 2015 PMID: 25741868, with internal and published modifications).

Literature cited by the submitters: PubMed 29351780 (cited by Quest Diagnostics Nichols Institute San Juan Capistrano).